The following is an entry in ClinVar:

NM_012213.3(MLYCD):c.372G>T (p.Gln124His)

Gene: MLYCD (malonyl-CoA decarboxylase; plus strand). Cytogenetic location: 16q23.3.
Variant type: single nucleotide variant.
Coding change: c.372G>T on transcript NM_012213.3 (MANE Select); coding-DNA position 372, G replaced by T.
Protein change: p.Gln124His; replaces glutamine 124 with histidine.
Molecular consequence: missense variant.
Genome position (GRCh38, 1-based): chr16:83,899,516, G>T. VCF-style: chr16-83899516-G-T. GRCh37 (hg19) VCF-style: chr16-83933121-G-T.
Other names: c.372G>T (NM_012213.2); short protein forms Q124H.
Identifiers: ClinVar variation 1426947 (VCV001426947.6), dbSNP rs748979749, ClinGen allele CA8197204.

ClinVar aggregate classification (germline): Uncertain significance. Review status: criteria provided, multiple submitters, no conflicts (2 of 4 stars). 2 submissions from 2 submitters: Uncertain significance (2). Last evaluated 2023-09-12.

Conditions:
Deficiency of malonyl-CoA decarboxylase. Also called: Malonic aciduria; MCD deficiency. Identifiers: Orphanet 943, MedGen C0342793, MONDO:0009556, OMIM 248360.
Inborn genetic diseases. Identifiers: MedGen C0950123, MeSH D030342.

Allele frequency attached by ClinVar (database versions not stated): gnomAD exomes below 0.00001 and 0.00001; TOPMed below 0.00001; ExAC 0.00001; gnomAD 0.00001.
gnomAD v4.1: 6 of 1,587,780 alleles (0.00038%); highest among the groups gnomAD compares: Non-Finnish European, 0.00043%; no homozygotes.

Submissions (2):

Ambry Genetics
Classification: Uncertain significance for Inborn genetic diseases. Last evaluated: 2023-09-12. Review status: criteria provided, single submitter. Criteria: Ambry Variant Classification Scheme 2023. Collection method: clinical testing. Allele origin: germline.

Labcorp Genetics (formerly Invitae), Labcorp
Classification: Uncertain significance for Deficiency of malonyl-CoA decarboxylase. Last evaluated: 2022-04-08. Review status: criteria provided, single submitter. Criteria: Invitae Variant Classification Sherloc (09022015). Collection method: clinical testing. Allele origin: germline.
Comment: This sequence change replaces glutamine, which is neutral and polar, with histidine, which is basic and polar, at codon 124 of the MLYCD protein (p.Gln124His). The frequency data for this variant in the population databases is considered unreliable, as metrics indicate poor data quality at this position in the gnomAD database. This variant has not been reported in the literature in individuals affected with MLYCD-related conditions. Algorithms developed to predict the effect of missense changes on protein structure and function output the following: SIFT: "Deleterious"; PolyPhen-2: "Benign"; Align-GVGD: "Class C0". The histidine amino acid residue is found in multiple mammalian species, which suggests that this missense change does not adversely affect protein function. In summary, the available evidence is currently insufficient to determine the role of this variant in disease. Therefore, it has been classified as a Variant of Uncertain Significance.